The following is an entry in ClinVar:

ClinVar aggregate classification (germline): Uncertain significance (1 of 4 stars; one submission).

Submission:

Ambry Genetics
Classification: Uncertain significance. Last evaluated: 2025-05-15. Review status: criteria provided, single submitter. Criteria: Ambry Variant Classification Scheme 2023. Collection method: clinical testing. Allele origin: germline.
Comment: The p.P763S variant (also known as c.2287C>T), located in coding exon 1 of the TET2 gene, results from a C to T substitution at nucleotide position 2287. The proline at codon 763 is replaced by serine, an amino acid with similar properties. This amino acid position is conserved. In addition, this alteration is predicted to be tolerated by in silico analysis. Based on the available evidence, the clinical significance of this variant remains unclear.

NM_001127208.3(TET2):c.2287C>T (p.Pro763Ser)

Genes: TET2 (tet methylcytosine dioxygenase 2; plus strand), TET2-AS1 (TET2 antisense RNA 1; minus strand). Cytogenetic location: 4q24.
Variant type: single nucleotide variant.
Coding change: c.2287C>T on transcript NM_001127208.3 (MANE Select); coding-DNA position 2287, C replaced by T.
Protein change: p.Pro763Ser; replaces proline 763 with serine.
Molecular consequence: missense variant.
Genome position (GRCh38, 1-based): chr4:105,236,229, C>T. VCF-style: chr4-105236229-C-T. GRCh37 (hg19) VCF-style: chr4-106157386-C-T.
Other names: c.2287C>T, p.Pro763Ser (NM_017628.4); short protein forms P763S.
Identifiers: ClinVar variation 3967633 (VCV003967633.1).